The following is an entry in ClinVar:

NM_002454.3(MTRR):c.1769+1G>A

Gene: MTRR (5-methyltetrahydrofolate-homocysteine methyltransferase reductase; plus strand). Cytogenetic location: 5p15.31.
Variant type: single nucleotide variant.
Coding change: c.1769+1G>A on transcript NM_002454.3 (MANE Select); the canonical splice donor site of the intron after coding-DNA position 1769, G replaced by A.
Molecular consequence: splice donor variant.
Genome position (GRCh38, 1-based): chr5:7,896,957, G>A. VCF-style: chr5-7896957-G-A. GRCh37 (hg19) VCF-style: chr5-7897070-G-A.
Other names: c.1769+1G>A (NM_001364440.2, NM_001364441.2, NM_001364442.2 and 1 more transcripts).
Identifiers: ClinVar variation 835400 (VCV000835400.15), dbSNP rs778738842, ClinGen allele CA113815505.

ClinVar aggregate classification (germline): Pathogenic/Likely pathogenic. Review status: criteria provided, multiple submitters, no conflicts (2 of 4 stars). 4 submissions from 4 submitters: Pathogenic (1); Likely pathogenic (3). Last evaluated 2025-12-04.

Conditions:
Neural tube defects, folate-sensitive (NTDFS). Also called: NTD, FOLATE-SENSITIVE. Identifiers: Orphanet 823, MedGen C1866558, MONDO:0011120, OMIM 601634.
Methylcobalamin deficiency type cblE (HMAE). Also called: HOMOCYSTINURIA-MEGALOBLASTIC ANEMIA, cblE COMPLEMENTATION TYPE; HOMOCYSTINURIA-MEGALOBLASTIC ANEMIA, cblE TYPE; VITAMIN B12-RESPONSIVE HOMOCYSTINURIA, cblE TYPE. Identifiers: Orphanet 2169, Orphanet 622, MedGen C1856057, MONDO:0009354, OMIM 236270.

Allele frequency attached by ClinVar (database versions not stated): TOPMed 0.00009; gnomAD exomes 0.00002; gnomAD 0.00009.
gnomAD v4.1: 24 of 1,613,748 alleles (0.0015%); highest among the groups gnomAD compares: Admixed American, 0.037%; no homozygotes.

Submissions (4):

Labcorp Genetics (formerly Invitae), Labcorp
Classification: Likely pathogenic for Methylcobalamin deficiency type cblE. Last evaluated: 2025-12-04. Review status: criteria provided, single submitter. Criteria: Invitae Variant Classification Sherloc (09022015). Collection method: clinical testing. Allele origin: germline.
Comment: This sequence change affects a donor splice site in intron 13 of the MTRR gene. It is expected to disrupt RNA splicing. Variants that disrupt the donor or acceptor splice site typically lead to a loss of protein function (PMID: 16199547), and loss-of-function variants in MTRR are known to be pathogenic (PMID: 15714522). This variant is present in population databases (rs778738842, gnomAD 0.01%). Disruption of this splice site has been observed in individual(s) with clinical features of MTRR-related conditions (PMID: 30041674). ClinVar contains an entry for this variant (Variation ID: 835400). Algorithms developed to predict the effect of sequence changes on RNA splicing suggest that this variant may disrupt the consensus splice site. In summary, the currently available evidence indicates that the variant is pathogenic, but additional data are needed to prove that conclusively. Therefore, this variant has been classified as Likely Pathogenic.

Natera, Inc.
Classification: Likely pathogenic for CblE complementation type homocystinuria-megaloblastic anemia due to defect in cobalamin metabolism. Last evaluated: 2025-10-24. Review status: criteria provided, single submitter. Criteria: Natera Variant Classification Schema (03/2026). Collection method: clinical testing. Allele origin: germline.
Comment: The c.1769+1G>A variant in MTRR is a canonical splice donor site variant predicted to affect pre-mRNA splicing, which may result in an abnormal transcript and altered protein product. This variant may result in a truncated or dysfunctional protein product. This variant is rare in the general population with a frequency below the threshold expected for the associated phenotype(s). This variant has been observed in one or more individuals affected with the associated recessive disease, as either homozygous or compound heterozygous with a second variant (PMID: 30041674). This variant has been identified in one or more affected individuals with a phenotype highly consistent with the associated gene (PMID: 30041674). Given the available evidence, this variant is classified as Likely Pathogenic.

Fulgent Genetics
Classification: Likely pathogenic for Methylcobalamin deficiency type cblE; Neural tube defects, folate-sensitive. Last evaluated: 2024-06-17. Review status: criteria provided, single submitter. Criteria: ACMG Guidelines, 2015. Collection method: clinical testing. Allele origin: germline.

Baylor Genetics
Classification: Pathogenic for Neural tube defects, folate-sensitive. Last evaluated: 2024-03-22. Review status: criteria provided, single submitter. Criteria: ACMG Guidelines, 2015. Collection method: clinical testing. Allele origin: unknown.

Literature cited by the submitters: PubMed 16199547 (cited by Labcorp Genetics (formerly Invitae), Labcorp); PubMed 15714522 (cited by Labcorp Genetics (formerly Invitae), Labcorp); PubMed 30041674 (cited by Labcorp Genetics (formerly Invitae), Labcorp and Natera, Inc.).